The following is an entry in ClinVar:

ClinVar aggregate classification (germline): Uncertain significance. Review status: criteria provided, multiple submitters, no conflicts (2 of 4 stars). 2 submissions from 2 submitters: Uncertain significance (2). Last evaluated 2026-03-06.

gnomAD v4.1: 4 of 1,497,676 alleles (0.00027%); highest among the groups gnomAD compares: Non-Finnish European, 0.00036%; no homozygotes.

Submissions (2):

GeneDx
Classification: Uncertain significance. Last evaluated: 2026-03-06. Review status: criteria provided, single submitter. Criteria: GeneDx Variant Classification Process June 2021. Collection method: clinical testing. Allele origin: germline.
Comment: Not observed at significant frequency in large population cohorts (gnomAD); Missense variant in a gene in which most reported pathogenic variants are truncating/loss of function; Has not been previously published as pathogenic or benign to our knowledge

CeGaT Center for Human Genetics Tuebingen
Classification: Uncertain significance. Last evaluated: 2022-09-01. Review status: criteria provided, single submitter. Criteria: CeGaT Center For Human Genetics Tuebingen Variant Classification Criteria Version 2. Collection method: clinical testing. Allele origin: germline. Affected: yes. Observed: 1 variant allele.

NM_001267550.2(TTN):c.40574C>G (p.Pro13525Arg)

Gene: TTN (titin; minus strand). Cytogenetic location: 2q31.2.
Variant type: single nucleotide variant.
Coding change: c.40574C>G on transcript NM_001267550.2 (MANE Select); coding-DNA position 40574, C replaced by G.
Protein change: p.Pro13525Arg; replaces proline 13525 with arginine.
Molecular consequence: missense variant.
Genome position (GRCh38, 1-based): chr2:178,641,300, G>C on the plus strand (C>G on the coding strand, the complement: TTN is on the minus strand). VCF-style: chr2-178641300-G-C. GRCh37 (hg19) VCF-style: chr2-179506027-G-C.
Other names: c.35651C>G, p.Pro11884Arg (NM_001256850.1); c.13379C>G, p.Pro4460Arg (NM_003319.4); c.32870C>G, p.Pro10957Arg (NM_133378.4); c.13754C>G, p.Pro4585Arg (NM_133432.3); c.13955C>G, p.Pro4652Arg (NM_133437.4); short protein forms P10957R, P11884R, P13525R, P4460R, P4585R, P4652R.
Identifiers: ClinVar variation 2651646 (VCV002651646.25), dbSNP rs868031591, ClinGen allele CA349664428.